The following is an entry in ClinVar:

ClinVar aggregate classification (germline): Uncertain significance (1 of 4 stars; one submission).

Conditions:
Duane-radial ray syndrome (DRRS). Also called: Duane-Radial Ray Syndrome (DRRS) / Okihiro Syndrome; ACRORENOOCULAR SYNDROME; DR SYNDROME; DUANE ANOMALY WITH RADIAL RAY ABNORMALITIES AND DEAFNESS; Okihiro Syndrome; Duane-Radial Ray Syndrome/Okihiro Syndrome. Identifiers: Orphanet 93293, Orphanet 959, MedGen C1623209, MONDO:0011812, OMIM 607323. Disease mechanism: gain of function.

Submission:

Labcorp Genetics (formerly Invitae), Labcorp
Classification: Uncertain significance for Duane-radial ray syndrome. Last evaluated: 2025-12-20. Review status: criteria provided, single submitter. Criteria: Invitae Variant Classification Sherloc (09022015). Collection method: clinical testing. Allele origin: germline.
Comment: This sequence change replaces histidine, which is basic and polar, with asparagine, which is neutral and polar, at codon 382 of the SALL4 protein (p.His382Asn). This variant is not present in population databases (gnomAD no frequency). This variant has not been reported in the literature in individuals affected with SALL4-related conditions. An algorithm developed to predict the effect of missense changes on protein structure and function (PolyPhen-2) suggests that this variant is likely to be disruptive. In summary, the available evidence is currently insufficient to determine the role of this variant in disease. Therefore, it has been classified as a Variant of Uncertain Significance.

NM_020436.5(SALL4):c.1144C>A (p.His382Asn)

Gene: SALL4 (spalt like transcription factor 4; minus strand). Cytogenetic location: 20q13.2.
Variant type: single nucleotide variant.
Coding change: c.1144C>A on transcript NM_020436.5 (MANE Select); coding-DNA position 1144, C replaced by A.
Protein change: p.His382Asn; replaces histidine 382 with asparagine.
Molecular consequence: missense variant.
Genome position (GRCh38, 1-based): chr20:51,791,339, G>T on the plus strand (C>A on the coding strand, the complement: SALL4 is on the minus strand). VCF-style: chr20-51791339-G-T. GRCh37 (hg19) VCF-style: chr20-50407878-G-T.
Other names: c.1144C>A, p.His382Asn (NM_001318031.2); short protein forms H382N.
Identifiers: ClinVar variation 4778939 (VCV004778939.1).